The following is an entry in ClinVar:

ClinVar aggregate classification (germline): Uncertain significance (1 of 4 stars; one submission).

Allele frequency attached by ClinVar (database versions not stated): gnomAD exomes below 0.00001.
gnomAD v4.1: 2 of 1,535,886 alleles (0.00013%); highest among the groups gnomAD compares: Non-Finnish European, 0.00017%; no homozygotes.

Submission:

Labcorp Genetics (formerly Invitae), Labcorp
Classification: Uncertain significance. Last evaluated: 2024-02-19. Review status: criteria provided, single submitter. Criteria: Invitae Variant Classification Sherloc (09022015). Collection method: clinical testing. Allele origin: germline.
Comment: This sequence change replaces glutamic acid, which is acidic and polar, with glutamine, which is neutral and polar, at codon 67 of the BBIP1 protein (p.Glu67Gln). This variant is not present in population databases (gnomAD no frequency). This variant has not been reported in the literature in individuals affected with BBIP1-related conditions. ClinVar contains an entry for this variant (Variation ID: 837789). An algorithm developed to predict the effect of missense changes on protein structure and function (PolyPhen-2) suggests that this variant is likely to be disruptive. In summary, the available evidence is currently insufficient to determine the role of this variant in disease. Therefore, it has been classified as a Variant of Uncertain Significance.

NM_001195305.3(BBIP1):c.199G>C (p.Glu67Gln)

Gene: BBIP1 (BBSome interacting protein 1; minus strand). Cytogenetic location: 10q25.2.
Variant type: single nucleotide variant.
Coding change: c.199G>C on transcript NM_001195305.3 (MANE Select); coding-DNA position 199, G replaced by C.
Protein change: p.Glu67Gln; replaces glutamic acid 67 with glutamine.
Molecular consequence: missense variant. On other transcripts: 3 prime UTR variant (1).
Genome position (GRCh38, 1-based): chr10:110,900,440, C>G on the plus strand (G>C on the coding strand, the complement: BBIP1 is on the minus strand). VCF-style: chr10-110900440-C-G. GRCh37 (hg19) VCF-style: chr10-112660198-C-G.
Other names: c.*44G>C (NM_001195304.2); c.199G>C, p.Glu67Gln (NM_001195306.2); c.124G>C, p.Glu42Gln (NM_001195307.2); c.133G>C, p.Glu45Gln (NM_001243783.3); short protein forms E42Q, E67Q, E45Q.
Identifiers: ClinVar variation 837789 (VCV000837789.10), dbSNP rs1845962614, ClinGen allele CA378388840.